The following is an entry in ClinVar:

NM_004714.3(DYRK1B):c.886_887del (p.Met296fs)

Gene: DYRK1B (dual specificity tyrosine phosphorylation regulated kinase 1B; minus strand). Cytogenetic location: 19q13.2.
Variant type: Deletion.
Coding change: c.886_887del on transcript NM_004714.3 (MANE Select); coding-DNA positions 886 to 887, 2 bases deleted (AT; older notation c.886_887delAT).
Protein change: p.Met296fs; shifts the reading frame from methionine 296.
Molecular consequence: frameshift variant.
Genome position (GRCh38, 1-based): chr19:39,827,577-39,827,578, AT deleted on the plus strand (AT on the coding strand, the reverse complement: DYRK1B is on the minus strand). VCF-style (leftmost placement, unchanged base first): chr19-39827576-CAT-C. GRCh37 (hg19) VCF-style: chr19-40318216-CAT-C.
Other names: c.886_887del, p.Met296fs (NM_006483.3, NM_006484.3); short protein forms M296fs.
Identifiers: ClinVar variation 2636306 (VCV002636306.2), dbSNP rs2514835525, ClinGen allele CA2566393645.

ClinVar aggregate classification (germline): Uncertain significance (0 of 4 stars; one submission).

Conditions:
DYRK1B-related disorder. Also called: DYRK1B-related condition.

Allele frequency attached by ClinVar (database versions not stated): gnomAD exomes below 0.00001.

Submission:

PreventionGenetics, part of Exact Sciences
Classification: Uncertain significance for DYRK1B-related condition. Last evaluated: 2024-06-10. Review status: no assertion criteria provided. Collection method: clinical testing. Allele origin: germline.
Comment: The DYRK1B c.886_887delAT variant is predicted to result in a frameshift and premature protein termination (p.Met296Valfs*22). To our knowledge, this variant has not been reported in the literature or in a large population database, indicating this variant is rare. Loss of function variants have not commonly been reported in the DYRK1B gene. At this time, the clinical significance of this variant is uncertain due to the absence of conclusive functional and genetic evidence.